The following is an entry in ClinVar:

NM_001244926.2(PRPF4):c.1148G>C (p.Gly383Ala)

Gene: PRPF4 (pre-mRNA splicing tri-snRNP complex factor PRPF4; plus strand). Cytogenetic location: 9q32.
Variant type: single nucleotide variant.
Coding change: c.1148G>C on transcript NM_001244926.2 (MANE Select); coding-DNA position 1148, G replaced by C.
Protein change: p.Gly383Ala; replaces glycine 383 with alanine.
Molecular consequence: missense variant. On other transcripts: non-coding transcript variant (2).
Genome position (GRCh38, 1-based): chr9:113,290,702, G>C. VCF-style: chr9-113290702-G-C. GRCh37 (hg19) VCF-style: chr9-116052982-G-C.
Other names: c.422G>C, p.Gly141Ala (NM_001322266.2, NM_001322267.2); c.1151G>C, p.Gly384Ala (NM_004697.5); short protein forms G141A, G384A, G383A.
Identifiers: ClinVar variation 1521536 (VCV001521536.8), dbSNP rs2118648102, ClinGen allele CA374555281.

ClinVar aggregate classification (germline): Uncertain significance (1 of 4 stars; one submission).

Submission:

Labcorp Genetics (formerly Invitae), Labcorp
Classification: Uncertain significance. Last evaluated: 2022-07-12. Review status: criteria provided, single submitter. Criteria: Invitae Variant Classification Sherloc (09022015). Collection method: clinical testing. Allele origin: germline.
Comment: In summary, the available evidence is currently insufficient to determine the role of this variant in disease. Therefore, it has been classified as a Variant of Uncertain Significance. Algorithms developed to predict the effect of missense changes on protein structure and function (SIFT, PolyPhen-2, Align-GVGD) all suggest that this variant is likely to be disruptive. ClinVar contains an entry for this variant (Variation ID: 1521536). This variant has not been reported in the literature in individuals affected with PRPF4-related conditions. This variant is not present in population databases (gnomAD no frequency). This sequence change replaces glycine, which is neutral and non-polar, with alanine, which is neutral and non-polar, at codon 384 of the PRPF4 protein (p.Gly384Ala).